The following is an entry in ClinVar:

ClinVar aggregate classification (germline): Uncertain significance (1 of 4 stars; one submission).

Conditions:
Ehlers-Danlos syndrome, classic type, 1 (EDSCL1). Also called: EHLERS-DANLOS SYNDROME, GRAVIS TYPE; EHLERS-DANLOS SYNDROME, SEVERE CLASSIC TYPE; Ehlers-Danlos Syndrome, Classic Type, COL5A1-Related; EDS I; Ehlers-Danlos syndrome, type 1. Identifiers: MedGen C0268335, MONDO:0019567, OMIM 130000.

Submission:

Labcorp Genetics (formerly Invitae), Labcorp
Classification: Uncertain significance for Ehlers-Danlos syndrome, classic type, 1. Last evaluated: 2022-01-14. Review status: criteria provided, single submitter. Criteria: Invitae Variant Classification Sherloc (09022015). Collection method: clinical testing. Allele origin: germline.
Comment: Advanced modeling of protein sequence and biophysical properties (such as structural, functional, and spatial information, amino acid conservation, physicochemical variation, residue mobility, and thermodynamic stability) performed at Invitae indicates that this missense variant is not expected to disrupt COL5A1 protein function. This variant is not present in population databases (gnomAD no frequency). This variant has not been reported in the literature in individuals affected with COL5A1-related conditions. ClinVar contains an entry for this variant (Variation ID: 409089). In summary, the available evidence is currently insufficient to determine the role of this variant in disease. Therefore, it has been classified as a Variant of Uncertain Significance. This sequence change replaces aspartic acid, which is acidic and polar, with valine, which is neutral and non-polar, at codon 439 of the COL5A1 protein (p.Asp439Val).

NM_000093.5(COL5A1):c.1316A>T (p.Asp439Val)

Gene: COL5A1 (collagen type V alpha 1 chain; plus strand). Cytogenetic location: 9q34.3.
Variant type: single nucleotide variant.
Coding change: c.1316A>T on transcript NM_000093.5 (MANE Select); coding-DNA position 1316, A replaced by T.
Protein change: p.Asp439Val; replaces aspartic acid 439 with valine.
Molecular consequence: missense variant.
Genome position (GRCh38, 1-based): chr9:134,731,647, A>T. VCF-style: chr9-134731647-A-T. GRCh37 (hg19) VCF-style: chr9-137623493-A-T.
Other names: c.1316A>T, p.Asp439Val (NM_001278074.1); short protein forms D439V.
Identifiers: ClinVar variation 409089 (VCV000409089.8), dbSNP rs1060502244, ClinGen allele CA16612511.